The following is an entry in ClinVar:

NM_052947.4(ALPK2):c.2683A>G (p.Thr895Ala)

Gene: ALPK2 (alpha kinase 2; minus strand). Cytogenetic location: 18q21.31.
Variant type: single nucleotide variant.
Coding change: c.2683A>G on transcript NM_052947.4 (MANE Select); coding-DNA position 2683, A replaced by G.
Protein change: p.Thr895Ala; replaces threonine 895 with alanine.
Molecular consequence: missense variant.
Genome position (GRCh38, 1-based): chr18:58,537,504, T>C on the plus strand (A>G on the coding strand, the complement: ALPK2 is on the minus strand). VCF-style: chr18-58537504-T-C. GRCh37 (hg19) VCF-style: chr18-56204736-T-C.
Other names: short protein forms T895A.
Identifiers: ClinVar variation 1794696 (VCV001794696.3), dbSNP rs1270310413, ClinGen allele CA402570004.
Genomic context (GRCh38, chr18:58,537,504, plus strand): 5'-CCACCTTGGCTAGATTTTCTCCTGTGGCACCTTCACTAGCTGTGTGTGAAATGTTCAAGG[T>C]GAAAGTACTGGTAAAAAGAGGGGACATGACTGAGTTGCCGTCCTTGCTGCTTTTGCACGT-3'
Protein context (NP_443179.3, residues 885-905): VMSPLFTSTF[Thr895Ala]LNISHTASEG

ClinVar aggregate classification (germline): Uncertain significance (1 of 4 stars; one submission).

Allele frequency attached by ClinVar (database versions not stated): gnomAD exomes below 0.00001.
gnomAD v4.1: 1 of 1,612,690 alleles (0.000062%); highest among the groups gnomAD compares: Non-Finnish European, 0.000085%; no homozygotes.

Submission:

Ambry Genetics
Classification: Uncertain significance. Last evaluated: 2024-04-27. Review status: criteria provided, single submitter. Criteria: Ambry Variant Classification Scheme 2023. Collection method: clinical testing. Allele origin: germline.
Comment: The p.T895A variant (also known as c.2683A>G), located in coding exon 4 of the ALPK2 gene, results from an A to G substitution at nucleotide position 2683. The threonine at codon 895 is replaced by alanine, an amino acid with similar properties. This amino acid position is conserved. In addition, this alteration is predicted to be tolerated by in silico analysis. Since supporting evidence is limited at this time, the clinical significance of this alteration remains unclear.